The following is an entry in ClinVar:

ClinVar aggregate classification (germline): Conflicting classifications of pathogenicity. Review status: criteria provided, conflicting classifications (1 of 4 stars). 3 submissions from 3 submitters: Uncertain significance (2); Benign (1). Last evaluated 2026-02-02.

Conditions:
IMPG1-related disorder. Also called: IMPG1-related condition.
Retinal dystrophy. Also called: Inherited retinal dystrophy. Identifiers: Orphanet 71862, MedGen C0854723, MeSH D058499, MONDO:0019118, HP:0000556.

Submissions (3):

PreventionGenetics, part of Exact Sciences
Classification: Uncertain significance for IMPG1-related condition. Last evaluated: 2026-02-02. Review status: criteria provided, single submitter. Criteria: ACMG Guidelines, 2015. Collection method: clinical testing. Allele origin: germline.
Comment: The IMPG1 c.888-4_889dup6 variant is predicted to result in a duplication affecting a canonical splice site. To our knowledge, this variant has not been reported in the literature. This variant is reported in 0.045% of alleles in individuals of East Asian descent in gnomAD. At this time, the clinical significance of this variant is uncertain due to the absence of conclusive functional and genetic evidence.

Labcorp Genetics (formerly Invitae), Labcorp
Classification: Uncertain significance. Last evaluated: 2024-02-24. Review status: criteria provided, single submitter. Criteria: Invitae Variant Classification Sherloc (09022015). Collection method: clinical testing. Allele origin: germline.
Comment: This sequence change falls in intron 9 of the IMPG1 gene. It does not directly change the encoded amino acid sequence of the IMPG1 protein. This variant is present in population databases (rs757929762, gnomAD 0.04%). This variant has not been reported in the literature in individuals affected with IMPG1-related conditions. This variant is also known as p.Gly296_Ser297insTyrSer. ClinVar contains an entry for this variant (Variation ID: 1366985). Experimental studies and prediction algorithms are not available or were not evaluated, and the effect of this variant on mRNA splicing is currently unknown. In summary, the available evidence is currently insufficient to determine the role of this variant in disease. Therefore, it has been classified as a Variant of Uncertain Significance.

Dept Of Ophthalmology, Nagoya University
Classification: Benign for Retinal dystrophy. Last evaluated: 2023-10-01. Review status: criteria provided, single submitter. Criteria: Submitter's publication. Collection method: research. Allele origin: germline. Affected: yes.

NM_001563.4(IMPG1):c.888-4_889dup

Gene: IMPG1 (interphotoreceptor matrix proteoglycan 1; minus strand). Cytogenetic location: 6q14.1.
Variant type: Duplication.
Coding change: c.888-4_889dup on transcript NM_001563.4 (MANE Select); 4 bases into the intron before coding-DNA position 888 through coding-DNA position 889, 6 bases duplicated (ACAGCT; older notation c.888-4_889dupACAGCT).
Molecular consequence: splice acceptor variant.
Genome position (GRCh38, 1-based): chr6:76,005,533-76,005,538, AGCTGT duplicated on the plus strand (ACAGCT on the coding strand, the reverse complement: IMPG1 is on the minus strand); duplicating any 6 consecutive bases within chr6:76,005,533-76,005,540 gives the same sequence; the c. name uses the placement nearest the transcript's 3' end. VCF-style (leftmost placement, unchanged base first): chr6-76005532-G-GAGCTGT. GRCh37 (hg19) VCF-style: chr6-76715249-G-GAGCTGT.
Other names: c.654-4_655dup (NM_001282368.2); c.888-4_889dup6 (NM_001563.3); c.888-4_889dupACAGCT (NM_001563.4).
Identifiers: ClinVar variation 1366985 (VCV001366985.10), dbSNP rs757929762, ClinGen allele CA3898269.